The following is an entry in ClinVar:

NM_000419.5(ITGA2B):c.2225A>G (p.Glu742Gly)

Gene: ITGA2B (integrin subunit alpha 2b; minus strand). Cytogenetic location: 17q21.31.
Variant type: single nucleotide variant.
Coding change: c.2225A>G on transcript NM_000419.5 (MANE Select); coding-DNA position 2225, A replaced by G.
Protein change: p.Glu742Gly; replaces glutamic acid 742 with glycine.
Molecular consequence: missense variant.
Genome position (GRCh38, 1-based): chr17:44,377,051, T>C on the plus strand (A>G on the coding strand, the complement: ITGA2B is on the minus strand). VCF-style: chr17-44377051-T-C. GRCh37 (hg19) VCF-style: chr17-42454419-T-C.
Other names: short protein forms E742G.
Identifiers: ClinVar variation 4748031 (VCV004748031.1).

ClinVar aggregate classification (germline): Uncertain significance (1 of 4 stars; one submission).

Conditions:
Glanzmann thrombasthenia. Also called: BLEEDING DISORDER, PLATELET-TYPE, 2; THROMBASTHENIA OF GLANZMANN AND NAEGELI; PLATELET GLYCOPROTEIN IIb-IIIa DEFICIENCY; Glanzmann's thrombasthenia; Thrombasthenia. Identifiers: Orphanet 849, MedGen C0040015, MONDO:0100326.

gnomAD v4.1: 3 of 1,592,448 alleles (0.00019%); highest among the groups gnomAD compares: Admixed American, 0.0018%; no homozygotes.

Submission:

Labcorp Genetics (formerly Invitae), Labcorp
Classification: Uncertain significance for Glanzmann thrombasthenia. Last evaluated: 2025-08-06. Review status: criteria provided, single submitter. Criteria: Invitae Variant Classification Sherloc (09022015). Collection method: clinical testing. Allele origin: germline.
Comment: This sequence change replaces glutamic acid, which is acidic and polar, with glycine, which is neutral and non-polar, at codon 742 of the ITGA2B protein (p.Glu742Gly). The frequency data for this variant in the population databases is considered unreliable, as metrics indicate poor data quality at this position in the gnomAD database. This variant has not been reported in the literature in individuals affected with ITGA2B-related conditions. Invitae Evidence Modeling of protein sequence and biophysical properties (such as structural, functional, and spatial information, amino acid conservation, physicochemical variation, residue mobility, and thermodynamic stability) indicates that this missense variant is expected to disrupt ITGA2B protein function with a positive predictive value of 95%. Algorithms developed to predict the effect of sequence changes on RNA splicing suggest that this variant may disrupt the consensus splice site. In summary, the available evidence is currently insufficient to determine the role of this variant in disease. Therefore, it has been classified as a Variant of Uncertain Significance.